The following is an entry in ClinVar:

NM_182961.4(SYNE1):c.20690C>T (p.Ala6897Val)

Gene: SYNE1 (spectrin repeat containing nuclear envelope protein 1; minus strand). Cytogenetic location: 6q25.2.
Variant type: single nucleotide variant.
Coding change: c.20690C>T on transcript NM_182961.4 (MANE Select); coding-DNA position 20690, C replaced by T.
Protein change: p.Ala6897Val; replaces alanine 6897 with valine.
Molecular consequence: missense variant.
Genome position (GRCh38, 1-based): chr6:152,233,803, G>A on the plus strand (C>T on the coding strand, the complement: SYNE1 is on the minus strand). VCF-style: chr6-152233803-G-A. GRCh37 (hg19) VCF-style: chr6-152554938-G-A.
Other names: c.20477C>T, p.Ala6826Val (NM_033071.5); short protein forms A6897V, A6826V.
Identifiers: ClinVar variation 282634 (VCV000282634.10), dbSNP rs369855513, ClinGen allele CA10604248.

ClinVar aggregate classification (germline): Uncertain significance. Review status: criteria provided, multiple submitters, no conflicts (2 of 4 stars). 2 submissions from 2 submitters: Uncertain significance (2). Last evaluated 2022-08-09.

Conditions:
Autosomal recessive ataxia, Beauce type. Also called: Spinocerebellar ataxia, autosomal recessive 8; ATAXIA, RECESSIVE, OF BEAUCE; SYNE1-Related Autosomal Recessive Cerebellar Ataxia; SYNE1 Deficiency. Identifiers: Orphanet 88644, MedGen C1853116, MONDO:0012549, OMIM 610743.
Emery-Dreifuss muscular dystrophy 4, autosomal dominant (EDMD4). Also called: EMERY-DREIFUSS MUSCULAR DYSTROPHY 4 WITH VARIABLE FEATURES. Identifiers: Orphanet 261, MedGen C2751807, MONDO:0013071, OMIM 612998.

Submissions (2):

Labcorp Genetics (formerly Invitae), Labcorp
Classification: Uncertain significance for Emery-Dreifuss muscular dystrophy 4, autosomal dominant; Autosomal recessive ataxia, Beauce type. Last evaluated: 2022-08-09. Review status: criteria provided, single submitter. Criteria: Invitae Variant Classification Sherloc (09022015). Collection method: clinical testing. Allele origin: germline.
Comment: This variant is not present in population databases (gnomAD no frequency). This sequence change replaces alanine, which is neutral and non-polar, with valine, which is neutral and non-polar, at codon 6826 of the SYNE1 protein (p.Ala6826Val). In summary, the available evidence is currently insufficient to determine the role of this variant in disease. Therefore, it has been classified as a Variant of Uncertain Significance. Algorithms developed to predict the effect of missense changes on protein structure and function output the following: SIFT: "Tolerated"; PolyPhen-2: "Benign"; Align-GVGD: "Class C0". The valine amino acid residue is found in multiple mammalian species, which suggests that this missense change does not adversely affect protein function. ClinVar contains an entry for this variant (Variation ID: 282634). This variant has not been reported in the literature in individuals affected with SYNE1-related conditions.

Eurofins Ntd Llc (ga)
Classification: Uncertain significance. Last evaluated: 2015-08-20. Review status: criteria provided, single submitter. Criteria: EGL Classification Definitions 2015. Collection method: clinical testing. Allele origin: germline. Observed: 1 variant allele, 1 heterozygote.